The following is an entry in ClinVar:

ClinVar aggregate classification (germline): Uncertain significance (1 of 4 stars; one submission).

Conditions:
Ullrich congenital muscular dystrophy 2 (UCMD2). Identifiers: Orphanet 75840, MedGen C4225314, MONDO:0014654, OMIM 616470.
Bethlem myopathy 2 (BTHLM2). Identifiers: Orphanet 536516, Orphanet 610, MedGen C4225313, MONDO:0034022, OMIM 616471.

Submission:

Labcorp Genetics (formerly Invitae), Labcorp
Classification: Uncertain significance for Bethlem myopathy 2; Ullrich congenital muscular dystrophy 2. Last evaluated: 2025-08-27. Review status: criteria provided, single submitter. Criteria: Invitae Variant Classification Sherloc (09022015). Collection method: clinical testing. Allele origin: germline.
Comment: This sequence change creates a premature translational stop signal (p.Asp990Valfs*13) in the COL12A1 gene. Multiple COL12A1 isoforms have been reported, and the functional impact of this variant is uncertain (PMID: 8601036). This variant is not present in population databases (gnomAD no frequency). This variant has not been reported in the literature in individuals affected with COL12A1-related conditions. Experimental studies and prediction algorithms are not available or were not evaluated, and the functional significance of this variant is currently unknown. In summary, the available evidence is currently insufficient to determine the role of this variant in disease. Therefore, it has been classified as a Variant of Uncertain Significance.

Literature cited by the submitters: PubMed 8601036.

NM_004370.6(COL12A1):c.2969del (p.Asp990fs)

Gene: COL12A1 (collagen type XII alpha 1 chain; minus strand). Cytogenetic location: 6q13.
Variant type: Deletion.
Coding change: c.2969del on transcript NM_004370.6 (MANE Select); coding-DNA position 2969, one base deleted (A; older notation c.2969delA).
Protein change: p.Asp990fs; shifts the reading frame from aspartic acid 990.
Molecular consequence: frameshift variant. On other transcripts: intron variant (2).
Genome position (GRCh38, 1-based): chr6:75,165,521, T deleted on the plus strand (A on the coding strand, the reverse complement: COL12A1 is on the minus strand). VCF-style (leftmost placement, unchanged base first): chr6-75165520-AT-A. GRCh37 (hg19) VCF-style: chr6-75875236-AT-A.
Other names: c.2969del, p.Asp990fs (NM_001424113.1, NM_001424114.1); c.2696del, p.Asp899fs (NM_001424115.1); c.74-13039del (NM_001424116.1, NM_080645.3); short protein forms D899fs, D990fs.
Identifiers: ClinVar variation 4784549 (VCV004784549.1).